The following is an entry in ClinVar:

NM_001184.4(ATR):c.1409C>G (p.Ala470Gly)

Gene: ATR (ATR checkpoint kinase; minus strand). Cytogenetic location: 3q23.
Variant type: single nucleotide variant.
Coding change: c.1409C>G on transcript NM_001184.4 (MANE Select); coding-DNA position 1409, C replaced by G.
Protein change: p.Ala470Gly; replaces alanine 470 with glycine.
Molecular consequence: missense variant. On other transcripts: intron variant (1).
Genome position (GRCh38, 1-based): chr3:142,560,395, G>C on the plus strand (C>G on the coding strand, the complement: ATR is on the minus strand). VCF-style: chr3-142560395-G-C. GRCh37 (hg19) VCF-style: chr3-142279237-G-C.
Other names: c.1349+848C>G (NM_001354579.2); short protein forms A470G.
Identifiers: ClinVar variation 1771968 (VCV001771968.2), dbSNP rs1445735789, ClinGen allele CA354822954.

ClinVar aggregate classification (germline): Uncertain significance (1 of 4 stars; one submission).

Conditions:
Inborn genetic diseases. Identifiers: MedGen C0950123, MeSH D030342.

Allele frequency attached by ClinVar (database versions not stated): gnomAD 0.00001.
gnomAD v4.1: 1 of 1,613,624 alleles (0.000062%); highest among the groups gnomAD compares: Non-Finnish European, 0.000085%; no homozygotes.

Submission:

Ambry Genetics
Classification: Uncertain significance for Inborn genetic diseases. Last evaluated: 2021-06-15. Review status: criteria provided, single submitter. Criteria: Ambry Variant Classification Scheme 2023. Collection method: clinical testing. Allele origin: germline.
Comment: The p.A470G variant (also known as c.1409C>G), located in coding exon 6 of the ATR gene, results from a C to G substitution at nucleotide position 1409. The alanine at codon 470 is replaced by glycine, an amino acid with similar properties. This amino acid position is conserved. In addition, this alteration is predicted to be tolerated by in silico analysis. Since supporting evidence is limited at this time, the clinical significance of this alteration remains unclear.